The following is an entry in ClinVar:

ClinVar aggregate classification (germline): Uncertain significance. Review status: criteria provided, multiple submitters, no conflicts (2 of 4 stars). 4 submissions from 4 submitters: Uncertain significance (4). Last evaluated 2026-01-25.

Conditions:
Hereditary cancer-predisposing syndrome. Also called: Neoplastic Syndromes, Hereditary; Tumor predisposition; Hereditary Cancer Syndrome; Hereditary neoplastic syndrome. Identifiers: Orphanet 140162, MedGen C0027672, MeSH D009386, MONDO:0015356.
Carney complex, type 1 (CNC1). Also called: CARNEY MYXOMA-ENDOCRINE COMPLEX; CARNEY COMPLEX, TYPE I. Identifiers: Orphanet 1359, MedGen C2607929, MONDO:0008057, OMIM 160980.

Allele frequency attached by ClinVar (database versions not stated): TOPMed 0.00001.

Submissions (4):

Labcorp Genetics (formerly Invitae), Labcorp
Classification: Uncertain significance for Carney complex, type 1. Last evaluated: 2026-01-25. Review status: criteria provided, single submitter. Criteria: Invitae Variant Classification Sherloc (09022015). Collection method: clinical testing. Allele origin: germline.
Comment: This sequence change replaces proline, which is neutral and non-polar, with serine, which is neutral and polar, at codon 84 of the PRKAR1A protein (p.Pro84Ser). This variant is not present in population databases (gnomAD no frequency). This variant has not been reported in the literature in individuals affected with PRKAR1A-related conditions. ClinVar contains an entry for this variant (Variation ID: 821396). Invitae Evidence Modeling of protein sequence and biophysical properties (such as structural, functional, and spatial information, amino acid conservation, physicochemical variation, residue mobility, and thermodynamic stability) indicates that this missense variant is not expected to disrupt PRKAR1A protein function with a negative predictive value of 95%. In summary, the available evidence is currently insufficient to determine the role of this variant in disease. Therefore, it has been classified as a Variant of Uncertain Significance.

Ambry Genetics
Classification: Uncertain significance for Hereditary cancer-predisposing syndrome. Last evaluated: 2025-01-09. Review status: criteria provided, single submitter. Criteria: Ambry Variant Classification Scheme 2023. Collection method: clinical testing. Allele origin: germline.
Comment: The p.P84S variant (also known as c.250C>T), located in coding exon 2 of the PRKAR1A gene, results from a C to T substitution at nucleotide position 250. The proline at codon 84 is replaced by serine, an amino acid with similar properties. This amino acid position is highly conserved in available vertebrate species. In addition, the in silico prediction for this alteration is inconclusive. Since supporting evidence is limited at this time, the clinical significance of this alteration remains unclear.

GeneDx
Classification: Uncertain significance. Last evaluated: 2024-02-09. Review status: criteria provided, single submitter. Criteria: GeneDx Variant Classification Process June 2021. Collection method: clinical testing. Allele origin: germline. Affected: yes.
Comment: Not observed at significant frequency in large population cohorts (gnomAD); In silico analysis supports that this missense variant does not alter protein structure/function; Has not been previously published as pathogenic or benign to our knowledge

Blueprint Genetics
Classification: Uncertain significance. Last evaluated: 2022-03-24. Review status: criteria provided, single submitter. Criteria: ACMG Guidelines, 2015. Collection method: clinical testing. Allele origin: germline.

NM_002734.5(PRKAR1A):c.250C>T (p.Pro84Ser)

Gene: PRKAR1A (protein kinase cAMP-dependent type I regulatory subunit alpha; plus strand). Cytogenetic location: 17q24.2.
Variant type: single nucleotide variant.
Coding change: c.250C>T on transcript NM_002734.5 (MANE Select); coding-DNA position 250, C replaced by T.
Protein change: p.Pro84Ser; replaces proline 84 with serine.
Molecular consequence: missense variant.
Genome position (GRCh38, 1-based): chr17:68,522,828, C>T. VCF-style: chr17-68522828-C-T. GRCh37 (hg19) VCF-style: chr17-66518969-C-T.
Other names: c.250C>T, p.Pro84Ser (NM_001276289.2, NM_001276290.1, NM_001278433.2 and 4 more transcripts); short protein forms P84S.
Identifiers: ClinVar variation 821396 (VCV000821396.12), dbSNP rs1600478753, ClinGen allele CA400752316.